The following is an entry in ClinVar:

ClinVar aggregate classification (germline): Uncertain significance (1 of 4 stars; one submission).

Allele frequency attached by ClinVar (database versions not stated): TOPMed 0.00001.
gnomAD v4.1: 5 of 1,614,134 alleles (0.00031%); highest among the groups gnomAD compares: Admixed American, 0.0083%; no homozygotes.

Submission:

Labcorp Genetics (formerly Invitae), Labcorp
Classification: Uncertain significance. Last evaluated: 2022-07-21. Review status: criteria provided, single submitter. Criteria: Invitae Variant Classification Sherloc (09022015). Collection method: clinical testing. Allele origin: germline.
Comment: This variant is present in population databases (rs750421080, gnomAD 0.01%). This sequence change falls in intron 7 of the SLC7A9 gene. It does not directly change the encoded amino acid sequence of the SLC7A9 protein. It affects a nucleotide within the consensus splice site. This variant has not been reported in the literature in individuals affected with SLC7A9-related conditions. In summary, the available evidence is currently insufficient to determine the role of this variant in disease. Therefore, it has been classified as a Variant of Uncertain Significance. Variants that disrupt the consensus splice site are a relatively common cause of aberrant splicing (PMID: 17576681, 9536098). Algorithms developed to predict the effect of sequence changes on RNA splicing suggest that this variant may disrupt the consensus splice site.

Literature cited by the submitters: PubMed 17576681; PubMed 9536098.

NM_014270.5(SLC7A9):c.749+5C>T

Gene: SLC7A9 (solute carrier family 7 member 9; minus strand). Cytogenetic location: 19q13.11.
Variant type: single nucleotide variant.
Coding change: c.749+5C>T on transcript NM_014270.5 (MANE Select); 5 bases into the intron after coding-DNA position 749, C replaced by T.
Molecular consequence: intron variant.
Genome position (GRCh38, 1-based): chr19:32,860,601, G>A on the plus strand (C>T on the coding strand, the complement: SLC7A9 is on the minus strand). VCF-style: chr19-32860601-G-A. GRCh37 (hg19) VCF-style: chr19-33351507-G-A.
Other names: c.749+5C>T (NM_001126335.2, NM_001243036.2).
Identifiers: ClinVar variation 2193982 (VCV002193982.4), dbSNP rs750421080, ClinGen allele CA9358691.